The following is an entry in ClinVar:

ClinVar aggregate classification (germline): Uncertain significance. Review status: criteria provided, multiple submitters, no conflicts (2 of 4 stars). 2 submissions from 2 submitters: Uncertain significance (2). Last evaluated 2025-11-10.

Conditions:
Familial adenomatous polyposis 1 (FAP1). Also called: POLYPOSIS, ADENOMATOUS INTESTINAL; FAMILIAL ADENOMATOUS POLYPOSIS 1, ATTENUATED. Identifiers: MedGen C2713442, MONDO:0021056, OMIM 175100. Disease mechanism: loss of function.
Hereditary cancer-predisposing syndrome. Also called: Hereditary neoplastic syndrome; Hereditary Cancer Syndrome; Neoplastic Syndromes, Hereditary; Tumor predisposition. Identifiers: Orphanet 140162, MedGen C0027672, MeSH D009386, MONDO:0015356.

Submissions (2):

Color Diagnostics, LLC DBA Color Health
Classification: Uncertain significance for Hereditary cancer-predisposing syndrome. Last evaluated: 2025-11-10. Review status: criteria provided, single submitter. Criteria: ACMG Guidelines, 2015. Collection method: clinical testing. Allele origin: germline.
Comment: This variant is an 6 amino acid (18 bp) insertion in exon 16 of the located in the APC protein. To our knowledge, functional studies have not been reported for this variant. This variant has not been reported in individuals affected with APC-related disorders in the literature. This variant has not been identified in the general population by the Genome Aggregation Database (gnomAD). The available evidence is insufficient to determine the role of this variant in disease conclusively. Therefore, this variant is classified as a Variant of Uncertain Significance.

Labcorp Genetics (formerly Invitae), Labcorp
Classification: Uncertain significance for Familial adenomatous polyposis 1. Last evaluated: 2023-11-01. Review status: criteria provided, single submitter. Criteria: Invitae Variant Classification Sherloc (09022015). Collection method: clinical testing. Allele origin: germline.
Comment: This variant, c.7612_7613insTCAATAGGTCTATCAAAA, results in the insertion of 6 amino acid(s) of the APC protein (p.Ser2537_Arg2538insIleAsnArgSerIleLys), but otherwise preserves the integrity of the reading frame. This variant is not present in population databases (gnomAD no frequency). This variant has not been reported in the literature in individuals affected with APC-related conditions. In summary, the available evidence is currently insufficient to determine the role of this variant in disease. Therefore, it has been classified as a Variant of Uncertain Significance.

NM_000038.6(APC):c.7612_7613insTCAATAGGTCTATCAAAA (p.Ser2537_Arg2538insIleAsnArgSerIleLys)

Gene: APC (APC regulator of Wnt signaling pathway; plus strand). Cytogenetic location: 5q22.2.
Variant type: Insertion.
Coding change: c.7612_7613insTCAATAGGTCTATCAAAA on transcript NM_000038.6 (MANE Select); coding-DNA positions 7612 to 7613, TCAATAGGTCTATCAAAA inserted.
Protein change: p.Ser2537_Arg2538insIleAsnArgSerIleLys.
Molecular consequence: inframe insertion. On other transcripts: non-coding transcript variant (2).
Genome position: GRCh38 VCF-style: chr5-112843205-T-TATCAATAGGTCTATCAAA. GRCh37 (hg19) VCF-style: chr5-112178902-T-TATCAATAGGTCTATCAAA.
Other names: c.7612_7613insTCAATAGGTCTATCAAAA, p.Ser2537_Arg2538insIleAsnArgSerIleLys (NM_001127510.3, NM_001354895.2, NM_001407450.1); c.7558_7559insTCAATAGGTCTATCAAAA, p.Ser2519_Arg2520insIleAsnArgSerIleLys (NM_001127511.3); c.7666_7667insTCAATAGGTCTATCAAAA, p.Ser2555_Arg2556insIleAsnArgSerIleLys (NM_001354896.2, NM_001407447.1, NM_001407448.1 and 1 more transcripts); c.7642_7643insTCAATAGGTCTATCAAAA, p.Ser2547_Arg2548insIleAsnArgSerIleLys (NM_001354897.2); c.7537_7538insTCAATAGGTCTATCAAAA, p.Ser2512_Arg2513insIleAsnArgSerIleLys (NM_001354898.2); c.7528_7529insTCAATAGGTCTATCAAAA, p.Ser2509_Arg2510insIleAsnArgSerIleLys (NM_001354899.2); c.7489_7490insTCAATAGGTCTATCAAAA, p.Ser2496_Arg2497insIleAsnArgSerIleLys (NM_001354900.2); c.7435_7436insTCAATAGGTCTATCAAAA, p.Ser2478_Arg2479insIleAsnArgSerIleLys (NM_001354901.2, NM_001407453.1); and 11 more.
Identifiers: ClinVar variation 2773103 (VCV002773103.4), dbSNP rs2533806493, ClinGen allele CA2697546405.